The following is an entry in ClinVar:

NM_003728.4(UNC5C):c.1614G>A (p.Ser538=)

Genes: UNC5C (unc-5 netrin receptor C; minus strand), LOC126807113 (CDK7 strongly-dependent group 2 enhancer GRCh37_chr4:96140095-96141294; plus strand). Cytogenetic location: 4q22.3.
Variant type: single nucleotide variant.
Coding change: c.1614G>A on transcript NM_003728.4 (MANE Select); coding-DNA position 1614, G replaced by A.
Protein change: p.Ser538=; no amino-acid change (serine 538 retained).
Molecular consequence: synonymous variant.
Genome position (GRCh38, 1-based): chr4:95,219,000, C>T on the plus strand (G>A on the coding strand, the complement: UNC5C is on the minus strand). VCF-style: chr4-95219000-C-T. GRCh37 (hg19) VCF-style: chr4-96140151-C-T.
Identifiers: ClinVar variation 1257938 (VCV001257938.5), dbSNP rs61741188, ClinGen allele CA3015640.
Genomic context (GRCh38, chr4:95,219,000, plus strand): 5'-TCTTTGCAATTTAAACCTCTAGGAATTACCTGAATTGGGAACAATAAGGTGACCTCCCAG[C>T]GAGTTGAAGCTGCCAAATGCGGTACAGGATGGATCAGTCTGCCTTGCTAGACTCTGGTTC-3'
Protein context (NP_003719.3, residues 528-548): PSCTAFGSFN[Ser538=]LGGHLIVPNS

ClinVar aggregate classification (germline): Benign. Review status: criteria provided, multiple submitters, no conflicts (2 of 4 stars). 3 submissions from 3 submitters: Benign (2). 1 of the submissions does not count toward it. Last evaluated 2018-09-06.

Conditions:
UNC5C-related disorder. Also called: UNC5C-related condition.

Allele frequency attached by ClinVar (database versions not stated): TOPMed 0.02481; gnomAD 0.02755 and 0.02870; 1000 Genomes Project 30x 0.02889; ESP Exome Variant Server 0.02806; gnomAD exomes 0.02821 and 0.03298; 1000 Genomes Project 0.03015; ExAC 0.03428.
gnomAD v4.1: 45,755 of 1,611,194 alleles (2.8%); highest among the groups gnomAD compares: South Asian, 7.9%; 995 homozygotes.

Submissions (3):

GeneDx
Classification: Benign. Last evaluated: 2018-09-06. Review status: criteria provided, single submitter. Criteria: GeneDx Variant Classification Process June 2021. Collection method: clinical testing. Allele origin: germline. Affected: yes.

Breakthrough Genomics
Classification: Benign. Review status: criteria provided, single submitter. Criteria: ACMG Guidelines, 2015. Collection method: not provided. Allele origin: germline. Inheritance: Unknown mechanism. Affected: yes.

PreventionGenetics, part of Exact Sciences
Classification: Benign for UNC5C-related condition. Last evaluated: 2020-01-14. Review status: no assertion criteria provided. Collection method: clinical testing. Allele origin: germline. Not counted in ClinVar's aggregate classification.
Comment: This variant is classified as benign based on ACMG/AMP sequence variant interpretation guidelines (Richards et al. 2015 PMID: 25741868, with internal and published modifications).